The following is an entry in ClinVar:

ClinVar aggregate classification (germline): Uncertain significance. Review status: criteria provided, multiple submitters, no conflicts (2 of 4 stars). 3 submissions from 3 submitters: Uncertain significance (3). Last evaluated 2024-11-24.

Conditions:
Inborn genetic diseases. Identifiers: MedGen C0950123, MeSH D030342.
Glycogen storage disease, type VII (GSD7). Also called: MUSCLE PHOSPHOFRUCTOKINASE DEFICIENCY; PFKM DEFICIENCY; TARUI DISEASE; GSD VII. Identifiers: Orphanet 371, MedGen C0017926, MONDO:0009295, OMIM 232800.

Allele frequency attached by ClinVar (database versions not stated): ExAC 0.00005.
gnomAD v4.1: 18 of 1,613,994 alleles (0.0011%); highest among the groups gnomAD compares: East Asian, 0.0022%; no homozygotes.

Submissions (3):

Ambry Genetics
Classification: Uncertain significance for Inborn genetic diseases. Last evaluated: 2024-11-24. Review status: criteria provided, single submitter. Criteria: Ambry Variant Classification Scheme 2023. Collection method: clinical testing. Allele origin: germline.

GeneDx
Classification: Uncertain significance. Last evaluated: 2023-03-02. Review status: criteria provided, single submitter. Criteria: GeneDx Variant Classification Process June 2021. Collection method: clinical testing. Allele origin: germline. Affected: yes.
Comment: Not observed at significant frequency in large population cohorts (gnomAD); In silico analysis supports that this missense variant has a deleterious effect on protein structure/function; Has not been previously published as pathogenic or benign to our knowledge

Labcorp Genetics (formerly Invitae), Labcorp
Classification: Uncertain significance for Glycogen storage disease, type VII. Last evaluated: 2022-07-19. Review status: criteria provided, single submitter. Criteria: Invitae Variant Classification Sherloc (09022015). Collection method: clinical testing. Allele origin: germline.
Comment: This sequence change replaces arginine, which is basic and polar, with histidine, which is basic and polar, at codon 345 of the PFKM protein (p.Arg345His). This variant is present in population databases (rs768149447, gnomAD 0.005%). This variant has not been reported in the literature in individuals affected with PFKM-related conditions. Algorithms developed to predict the effect of missense changes on protein structure and function are either unavailable or do not agree on the potential impact of this missense change (SIFT: "Deleterious"; PolyPhen-2: "Possibly Damaging"; Align-GVGD: "Class C0"). In summary, the available evidence is currently insufficient to determine the role of this variant in disease. Therefore, it has been classified as a Variant of Uncertain Significance.

NM_000289.6(PFKM):c.1034G>A (p.Arg345His)

Gene: PFKM (phosphofructokinase, muscle; plus strand). Cytogenetic location: 12q13.11.
Variant type: single nucleotide variant.
Coding change: c.1034G>A on transcript NM_000289.6 (MANE Select); coding-DNA position 1034, G replaced by A.
Protein change: p.Arg345His; replaces arginine 345 with histidine.
Molecular consequence: missense variant. On other transcripts: non-coding transcript variant (6), intron variant (1).
Genome position (GRCh38, 1-based): chr12:48,137,818, G>A. VCF-style: chr12-48137818-G-A. GRCh37 (hg19) VCF-style: chr12-48531601-G-A.
Other names: c.1034G>A (NM_000289.5); c.1247G>A, p.Arg416His (NM_001166686.2, NM_001354737.1, NM_001354738.1 and 1 more transcripts); c.1034G>A, p.Arg345His (NM_001166687.2, NM_001166688.2, NM_001354742.2 and 2 more transcripts); c.1343G>A, p.Arg448His (NM_001354735.1, NM_001354736.1); c.1178G>A, p.Arg393His (NM_001354740.1); c.1058G>A, p.Arg353His (NM_001354741.2); c.947G>A, p.Arg316His (NM_001354745.2); c.884G>A, p.Arg295His (NM_001354747.2, NM_001354748.2); and 2 more; short protein forms R416H, R295H, R314H, R316H, R448H, R393H, R345H, R353H.
Identifiers: ClinVar variation 2160797 (VCV002160797.3), dbSNP rs768149447, ClinGen allele CA6537180.